The following is an entry in ClinVar:

ClinVar aggregate classification (germline): Likely benign. Review status: criteria provided, single submitter (1 of 4 stars). 2 submissions from 2 submitters: Likely benign (1). 1 of the submissions does not count toward it. Last evaluated 2026-03-01.

Conditions:
CIC-related disorder. Also called: CIC-related condition.

Allele frequency attached by ClinVar (database versions not stated): gnomAD 0.00048; TOPMed 0.00048; gnomAD exomes 0.00051.
gnomAD v4.1: 193 of 398,862 alleles (0.048%); highest among the groups gnomAD compares: Non-Finnish European, 0.077%; no homozygotes.

Submissions (2):

CeGaT Center for Human Genetics Tuebingen
Classification: Likely benign. Last evaluated: 2026-03-01. Review status: criteria provided, single submitter. Criteria: CeGaT Center For Human Genetics Tuebingen Variant Classification Criteria Version 2. Collection method: clinical testing. Allele origin: germline. Affected: yes. Observed: 5 variant alleles.
Comment: CIC: BP4, BP7

PreventionGenetics, part of Exact Sciences
Classification: Likely benign for CIC-related condition. Last evaluated: 2019-12-03. Review status: no assertion criteria provided. Collection method: clinical testing. Allele origin: germline. Not counted in ClinVar's aggregate classification.
Comment: This variant is classified as likely benign based on ACMG/AMP sequence variant interpretation guidelines (Richards et al. 2015 PMID: 25741868, with internal and published modifications).

NM_001386298.1(CIC):c.2721C>T (p.Pro907=)

Gene: CIC (capicua transcriptional repressor; plus strand). Cytogenetic location: 19q13.2.
Variant type: single nucleotide variant.
Coding change: c.2721C>T on transcript NM_001386298.1 (MANE Select); coding-DNA position 2721, C replaced by T.
Protein change: p.Pro907=; no amino-acid change (proline 907 retained).
Molecular consequence: synonymous variant.
Genome position (GRCh38, 1-based): chr19:42,274,504, C>T. VCF-style: chr19-42274504-C-T. GRCh37 (hg19) VCF-style: chr19-42778656-C-T.
Other names: c.2721C>T, p.Pro907= (NM_001304815.2, NM_001379480.1, NM_001379482.1 and 1 more transcripts).
Identifiers: ClinVar variation 2649972 (VCV002649972.25), dbSNP rs567905729, ClinGen allele CA308616137.